The following continues an entry in ClinVar:

NM_000500.9(CYP21A2):c.1360C>T (p.Pro454Ser)

ClinVar aggregate classification (germline): Pathogenic. Pathogenic (28).

Submissions 14 to 29 of 35:

Labcorp Genetics (formerly Invitae), Labcorp
Classification: Pathogenic. Last evaluated: 2022-11-01. Review status: criteria provided, single submitter. Criteria: Invitae Variant Classification Sherloc (09022015). Collection method: clinical testing. Allele origin: germline.
Comment: This sequence change replaces proline, which is neutral and non-polar, with serine, which is neutral and polar, at codon 454 of the CYP21A2 protein (p.Pro454Ser). The frequency data for this variant in the population databases (gnomAD) is considered unreliable due to the presence of homologous sequence, such as pseudogenes or paralogs, in the genome. This missense change has been observed in individual(s) with clinical features of non-classic congenital adrenal hyperplasia due to 21-hydroxylase deficiency (PMID: 1406699, 10720040, 12222711, 12887291, 21444649, 21843885, 22270556, 23073904, 31333583, 32966723). In at least one individual the data is consistent with being in trans (on the opposite chromosome) from a pathogenic variant. This variant is also known as P453S. ClinVar contains an entry for this variant (Variation ID: 12159). Advanced modeling of protein sequence and biophysical properties (such as structural, functional, and spatial information, amino acid conservation, physicochemical variation, residue mobility, and thermodynamic stability) performed at Invitae indicates that this missense variant is not expected to disrupt CYP21A2 protein function. Experimental studies have shown that this missense change affects CYP21A2 function (PMID: 18381579, 24953648, 30968594). For these reasons, this variant has been classified as Pathogenic.

Centre of Medical Genetics, University Hospital Muenster
Classification: Pathogenic. Last evaluated: 2022-08-19. Review status: criteria provided, single submitter. Criteria: ACMG Guidelines, 2015. Collection method: clinical testing. Allele origin: unknown. Affected: yes. Observed: 1 variant allele, 1 heterozygote.
Comment: ACMG categories: PS3,PS4,PM1,PP3,PP5

Women's Health and Genetics/Laboratory Corporation of America, LabCorp
Classification: Pathogenic for 21-Hydroxylase-Deficient Congenital Adrenal Hyperplasia. Last evaluated: 2022-06-29. Review status: criteria provided, single submitter. Criteria: LabCorp Variant Classification Summary - May 2015. Collection method: clinical testing. Allele origin: germline.
Comment: Variant summary: CYP21A2 c.1360C>T (p.Pro454Ser) results in a non-conservative amino acid change in the encoded protein sequence. Four of five in-silico tools predict a damaging effect of the variant on protein function. The variant allele was found at a frequency of 0.0046 in 137706 control chromosomes in the gnomAD database, including 2 homozygotes. This frequency is not significantly higher than expected for a pathogenic variant in CYP21A2 causing Congenital Adrenal Hyperplasia/Non-Classic (0.0046 vs 0.032), allowing no conclusion about variant significance. c.1360C>T has been reported in the literature in multiple individuals affected with Congenital Adrenal Hyperplasia. These data indicate that the variant is very likely to be associated with disease. At least one publication reports experimental evidence evaluating an impact on protein function. The most pronounced variant effect results in 10%-<30% of normal activity (Helmberg_1992, Nikoshkov_1997, Soardi_2008). Ten clinical diagnostic laboratories have submitted clinical-significance assessments for this variant to ClinVar after 2014 without evidence for independent evaluation. All laboratories classified the variant as pathogenic. Based on the evidence outlined above, the variant was classified as pathogenic.

Clinical Genetics Laboratory, Skane University Hospital Lund
Classification: Pathogenic. Last evaluated: 2022-05-27. Review status: criteria provided, single submitter. Criteria: ACMG Guidelines, 2015. Collection method: clinical testing. Allele origin: germline. Affected: yes.

Mendelics
Classification: Pathogenic for 21-Hydroxylase-Deficient Congenital Adrenal Hyperplasia. Last evaluated: 2022-05-04. Review status: criteria provided, single submitter. Criteria: Mendelics Assertion Criteria 2019. Collection method: clinical testing. Allele origin: germline.

Institute for Clinical Genetics, University Hospital TU Dresden, University Hospital TU Dresden
Classification: Pathogenic. Last evaluated: 2021-11-03. Review status: criteria provided, single submitter. Criteria: ACMG Guidelines, 2015. Collection method: clinical testing. Allele origin: germline.

Baylor Genetics
Classification: Pathogenic for 21-Hydroxylase-Deficient Congenital Adrenal Hyperplasia. Last evaluated: 2021-10-18. Review status: criteria provided, single submitter. Criteria: ACMG Guidelines, 2015. Collection method: clinical testing. Allele origin: unknown.

MGZ Medical Genetics Center
Classification: Pathogenic for Congenital lipoid adrenal hyperplasia due to STAR deficency. Last evaluated: 2021-07-26. Review status: criteria provided, single submitter. Criteria: ACMG Guidelines, 2015. Collection method: clinical testing. Allele origin: germline. Affected: yes. Observed: 1 variant allele.
Comment: ACMG criteria applied: PS3, PM3_STR, PM2_SUP, PP4

AiLife Diagnostics
Classification: Pathogenic. Last evaluated: 2021-06-02. Review status: criteria provided, single submitter. Criteria: ACMG Guidelines, 2015. Collection method: clinical testing. Allele origin: germline. Affected: yes. Observed: 1 variant allele.

Victorian Clinical Genetics Services, Murdoch Childrens Research Institute
Classification: Pathogenic for 21-Hydroxylase-Deficient Congenital Adrenal Hyperplasia. Last evaluated: 2021-05-06. Review status: criteria provided, single submitter. Criteria: ACMG Guidelines, 2015. Collection method: clinical testing. Allele origin: germline. Inheritance: Autosomal recessive inheritance.
Comment: Based on the classification scheme VCGS_Germline_v1.3.4, this variant is classified as Pathogenic. Following criteria are met: 0102 - Loss of function is a known mechanism of disease in this gene and is associated with nonclassic type hyperandrogenism due to 21-hydroxylase deficiency (MIM#201910). (I) 0106 - This gene is associated with autosomal recessive disease. (I) 0200 - Variant is predicted to result in a missense amino acid change from proline to serine. (I) 0251 - This variant is heterozygous. (I) 0304 - Variant is present in gnomAD <0.01 for a recessive condition (v2: 757 heterozygotes, 2 homozygotes). (SP) 0504 - Same amino acid change has been observed in placental mammals. (SB) 0604 - Variant is not located in an established domain, motif, hotspot or informative constraint region. (I) 0801 - This variant has strong previous evidence of pathogenicity in unrelated individuals. It is regarded as definitely pathogenic by EMQN (PMID: 32616876) and is associated to the nonclassic type of hyperandrogenism due to 21-hydroxylase deficiency (ClinVar, LOVD, PMID: 31586465). (SP) 1208 - Inheritance information for this variant is not currently available in this individual. (I) Legend: (SP) - Supporting pathogenic, (I) - Information, (SB) - Supporting benign

Fulgent Genetics
Classification: Pathogenic for 21-Hydroxylase-Deficient Congenital Adrenal Hyperplasia. Last evaluated: 2018-10-31. Review status: criteria provided, single submitter. Criteria: ACMG Guidelines, 2015. Collection method: clinical testing. Allele origin: unknown.

Knight Diagnostic Laboratories, Oregon Health and Sciences University
Classification: Pathogenic for 21-Hydroxylase-Deficient Congenital Adrenal Hyperplasia. Last evaluated: 2016-07-18. Review status: criteria provided, single submitter. Criteria: ACMG Guidelines, 2015. Collection method: clinical testing. Allele origin: germline. Affected: no. Study: CSER-NextGen.
Comment: The c.1360C>T (p.Pro454Ser) missense variant in the CYP21A2 gene has been previously reported in multiple individuals affected with 21-OHD CAH and is associated with the non-classic form of this disorder (Owerbach et al., 1992; Vigliani and Buster, 2012; Skordis et al., 2015; Neocleous et al., 2014). This variant is present significantly more frequently in affected individuals than controls (OR = 18; 95%CI = 2.37-136), and is absent or reported at low frequency in the population databases (Exome Sequencing Project [ESP]; 1000 Genomes=0.6%; ExAC=0.88%). Furthermore, in vitro functional assays in multiple studies demonstrated that, compared to the wild-type enzyme, this variant had decreased activity on both the 17-OHP and progesterone substrates (Nikoshkov et al., 1997, Barbaro et al., 2015). Structural studies predict that Pro454 is positioned within a hydrophobic pocket, and that the p.Pro454Ser variant will disrupt the hydrophobicity of this region (Haider et al., 2013). In addition, Emory Genetics Laboratory has classified this variant as Pathogenic. Pathogenic variants in the CYP21A2 gene are the only known cause of 21-OHD CAH. Therefore, this collective evidence supports the classification of the c.1360C>T (p.Pro454Ser) as a Pathogenic variant for congenital adrenal hyperplasia. We have confirmed this finding in our laboratory using Sanger sequencing.

Clinical Genetics and Genomics, Karolinska University Hospital
Classification: Pathogenic. Last evaluated: 2016-05-19. Review status: criteria provided, single submitter. Criteria: ACMG Guidelines, 2015. Collection method: clinical testing. Allele origin: germline. Affected: yes. Observed: 13 variant alleles.

Eurofins Ntd Llc (ga)
Classification: Pathogenic. Last evaluated: 2014-12-29. Review status: criteria provided, single submitter. Criteria: EGL Classification Definitions 2015. Collection method: clinical testing. Allele origin: germline. Observed: 7 variant alleles, 7 heterozygotes.

UNC Molecular Genetics  Laboratory, University of North Carolina at Chapel Hill
Classification: Pathogenic for Classic congenital adrenal hyperplasia due to 21-hydroxylase deficiency. Review status: criteria provided, single submitter. Criteria: ACMG Guidelines, 2015. Collection method: research. Allele origin: germline. Affected: no. Observed: 2 variant alleles. Study: NSIGHT-NC NEXUS.
Comment: The CYP21A2 c.1360C>T (p.P454S) missense variant has been reported in individuals with nonclassical late-onset 21-hydroxylase deficiency (PMID: 1406699; 18381579; 1496017).

carrier finding

Reproductive Health Research and Development, BGI Genomics
Classification: Pathogenic for Classic congenital adrenal hyperplasia due to 21-hydroxylase deficiency. Last evaluated: 2020-01-06. Review status: no assertion criteria provided. Collection method: curation. Allele origin: germline. Not counted in ClinVar's aggregate classification.
Comment: NM_000500.7:c.1360C>T in the CYP21A2 gene has an allele frequency of 0.009 in European (non-Finnish) subpopulation in the gnomAD database. The c.1360C>T (p.Pro454Ser) missense variant in the CYP21A2 gene, also known as p.Pro453Ser in literatures, has been previously found in 46.2% of 13 unrelated NC-CAH patients, but only 7.7% and 3.6% of salt-wasting CAH patients and blood donors, respectively (PMID: 1406699). In vitro functional assays in multiple studies demonstrated that, compared to the wild-type enzyme, this variant had decreased activity on both the 17-OHP and progesterone substrates (PMID: 24953648). Pathogenic computational verdict because pathogenic predictions from DANN, EIGEN, FATHMM-MKL, M-CAP, MutationTaster and SIFT. Taken together, we interprete this variant as Pathogenic/Likely pathogenic. ACMG/AMP Criteria applied: PP3, PS4, PS3.